The following is an entry in ClinVar:

NM_001164508.2(NEB):c.4843A>G (p.Lys1615Glu)

Gene: NEB (nebulin; minus strand). Cytogenetic location: 2q23.3.
Variant type: single nucleotide variant.
Coding change: c.4843A>G on transcript NM_001164508.2 (MANE Select); coding-DNA position 4843, A replaced by G.
Protein change: p.Lys1615Glu; replaces lysine 1615 with glutamic acid.
Molecular consequence: missense variant.
Genome position (GRCh38, 1-based): chr2:151,666,278, T>C on the plus strand (A>G on the coding strand, the complement: NEB is on the minus strand). VCF-style: chr2-151666278-T-C. GRCh37 (hg19) VCF-style: chr2-152522792-T-C.
Other names: c.4843A>G, p.Lys1615Glu (NM_001164507.2, NM_001271208.2, NM_004543.5); c.4843A>G (NM_004543.4); short protein forms K1615E.
Identifiers: ClinVar variation 843782 (VCV000843782.12), dbSNP rs1237432906, ClinGen allele CA348813718.
Genomic context (GRCh38, chr2:151,666,278, plus strand): 5'-TCACACTGACCATATCCAGAGGTGTGTGGTACTTGGTCTTGCTGGCTTCATAGCCCTTTT[T>C]GTACTCACGATCAGACTGGATTTTGGCCACATTCATGTAGTGAACCAGTTTAGGATCATC-3'
Protein context (NP_001157980.2, residues 1605-1625): VAKIQSDREY[Lys1615Glu]KGYEASKTKY

ClinVar aggregate classification (germline): Uncertain significance. Review status: criteria provided, multiple submitters, no conflicts (2 of 4 stars). 3 submissions from 3 submitters: Uncertain significance (2). 1 of the submissions does not count toward it. Last evaluated 2023-10-03.

Conditions:
Inborn genetic diseases. Identifiers: MedGen C0950123, MeSH D030342.
Nemaline myopathy 2 (NEM2). Also called: Nemaline myopathy 2, autosomal recessive. Identifiers: MedGen C1850569, MONDO:0009725, OMIM 256030.

Allele frequency attached by ClinVar (database versions not stated): gnomAD exomes below 0.00001; TOPMed 0.00002.
gnomAD v4.1: 3 of 1,613,982 alleles (0.00019%); highest among the groups gnomAD compares: Non-Finnish European, 0.00025%; no homozygotes.

Submissions (3):

Labcorp Genetics (formerly Invitae), Labcorp
Classification: Uncertain significance for Nemaline myopathy 2. Last evaluated: 2023-10-03. Review status: criteria provided, single submitter. Criteria: Invitae Variant Classification Sherloc (09022015). Collection method: clinical testing. Allele origin: germline.
Comment: This sequence change replaces lysine, which is basic and polar, with glutamic acid, which is acidic and polar, at codon 1615 of the NEB protein (p.Lys1615Glu). This variant is present in population databases (no rsID available, gnomAD 0.0009%). This variant has not been reported in the literature in individuals affected with NEB-related conditions. ClinVar contains an entry for this variant (Variation ID: 843782). Experimental studies and prediction algorithms are not available or were not evaluated, and the functional significance of this variant is currently unknown. In summary, the available evidence is currently insufficient to determine the role of this variant in disease. Therefore, it has been classified as a Variant of Uncertain Significance.

Ambry Genetics
Classification: Uncertain significance for Inborn genetic diseases. Last evaluated: 2023-03-20. Review status: criteria provided, single submitter. Criteria: Ambry Variant Classification Scheme 2023. Collection method: clinical testing. Allele origin: germline.

Natera, Inc.
Classification: Uncertain significance for Nemaline myopathy type 2. Last evaluated: 2020-03-04. Review status: no assertion criteria provided. Collection method: clinical testing. Allele origin: germline. Not counted in ClinVar's aggregate classification.